The following is an entry in ClinVar:

ClinVar aggregate classification (germline): Uncertain significance. Review status: criteria provided, multiple submitters, no conflicts (2 of 4 stars). 2 submissions from 2 submitters: Uncertain significance (2). Last evaluated 2025-02-01.

Submissions (2):

Ambry Genetics
Classification: Uncertain significance. Last evaluated: 2025-02-01. Review status: criteria provided, single submitter. Criteria: Ambry Variant Classification Scheme 2023. Collection method: clinical testing. Allele origin: germline.

GeneDx
Classification: Uncertain significance. Last evaluated: 2024-10-31. Review status: criteria provided, single submitter. Criteria: GeneDx Variant Classification Process June 2021. Collection method: clinical testing. Allele origin: germline.
Comment: In silico analysis indicates that this missense variant does not alter protein structure/function; Has not been previously published as pathogenic or benign to our knowledge

NM_012310.5(KIF4A):c.2635A>C (p.Ile879Leu)

Gene: KIF4A (kinesin family member 4A; plus strand). Cytogenetic location: Xq13.1.
Variant type: single nucleotide variant.
Coding change: c.2635A>C on transcript NM_012310.5 (MANE Select); coding-DNA position 2635, A replaced by C.
Protein change: p.Ile879Leu; replaces isoleucine 879 with leucine.
Molecular consequence: missense variant.
Genome position (GRCh38, 1-based): chrX:70,403,879, A>C. VCF-style: chrX-70403879-A-C. GRCh37 (hg19) VCF-style: chrX-69623729-A-C.
Other names: short protein forms I879L.
Identifiers: ClinVar variation 3359409 (VCV003359409.3).